The following is an entry in ClinVar:

NM_177438.3(DICER1):c.1298A>G (p.Asn433Ser)

Gene: DICER1 (dicer 1, ribonuclease III; minus strand). Cytogenetic location: 14q32.13.
Variant type: single nucleotide variant.
Coding change: c.1298A>G on transcript NM_177438.3 (MANE Select); coding-DNA position 1298, A replaced by G.
Protein change: p.Asn433Ser; replaces asparagine 433 with serine.
Molecular consequence: missense variant.
Genome position (GRCh38, 1-based): chr14:95,124,274, T>C on the plus strand (A>G on the coding strand, the complement: DICER1 is on the minus strand). VCF-style: chr14-95124274-T-C. GRCh37 (hg19) VCF-style: chr14-95590611-T-C.
Other names: c.1298A>G, p.Asn433Ser (NM_001195573.1, NM_001271282.3, NM_001291628.2 and 1 more transcripts); c.1298A>G (NM_177438.2); short protein forms N433S.
Identifiers: ClinVar variation 1044969 (VCV001044969.12), dbSNP rs1893191542, ClinGen allele CA390886285.

ClinVar aggregate classification (germline): Uncertain significance. Review status: criteria provided, multiple submitters, no conflicts (2 of 4 stars). 2 submissions from 2 submitters: Uncertain significance (2). Last evaluated 2025-05-26.

Conditions:
DICER1-related tumor predisposition. Also called: DICER1 syndrome; DICER1-related pleuropulmonary blastoma cancer predisposition syndrome. Identifiers: Orphanet 284343, MedGen C3839822, MONDO:0100216.
Hereditary cancer-predisposing syndrome. Also called: Hereditary neoplastic syndrome; Neoplastic Syndromes, Hereditary; Tumor predisposition; Hereditary Cancer Syndrome. Identifiers: Orphanet 140162, MedGen C0027672, MeSH D009386, MONDO:0015356.

Allele frequency attached by ClinVar (database versions not stated): gnomAD exomes below 0.00001.
gnomAD v4.1: 1 of 1,613,944 alleles (0.000062%); highest among the groups gnomAD compares: Non-Finnish European, 0.000085%; no homozygotes.

Submissions (2):

Labcorp Genetics (formerly Invitae), Labcorp
Classification: Uncertain significance for DICER1-related tumor predisposition. Last evaluated: 2025-05-26. Review status: criteria provided, single submitter. Criteria: Invitae Variant Classification Sherloc (09022015). Collection method: clinical testing. Allele origin: germline.
Comment: This sequence change replaces asparagine, which is neutral and polar, with serine, which is neutral and polar, at codon 433 of the DICER1 protein (p.Asn433Ser). This variant is not present in population databases (gnomAD no frequency). This variant has not been reported in the literature in individuals affected with DICER1-related conditions. ClinVar contains an entry for this variant (Variation ID: 1044969). Invitae Evidence Modeling of protein sequence and biophysical properties (such as structural, functional, and spatial information, amino acid conservation, physicochemical variation, residue mobility, and thermodynamic stability) indicates that this missense variant is not expected to disrupt DICER1 protein function with a negative predictive value of 95%. In summary, the available evidence is currently insufficient to determine the role of this variant in disease. Therefore, it has been classified as a Variant of Uncertain Significance.

Ambry Genetics
Classification: Uncertain significance for Hereditary cancer-predisposing syndrome. Last evaluated: 2022-12-09. Review status: criteria provided, single submitter. Criteria: Ambry Variant Classification Scheme 2023. Collection method: clinical testing. Allele origin: germline.
Comment: The p.N433S variant (also known as c.1298A>G), located in coding exon 7 of the DICER1 gene, results from an A to G substitution at nucleotide position 1298. The asparagine at codon 433 is replaced by serine, an amino acid with highly similar properties. This amino acid position is conserved. In addition, this alteration is predicted to be tolerated by in silico analysis. Since supporting evidence is limited at this time, the clinical significance of this alteration remains unclear.